The following is an entry in ClinVar:

NM_005591.4(MRE11):c.1499A>T (p.Glu500Val)

Gene: MRE11 (MRE11 double strand break repair nuclease; minus strand). Cytogenetic location: 11q21.
Variant type: single nucleotide variant.
Coding change: c.1499A>T on transcript NM_005591.4 (MANE Select); coding-DNA position 1499, A replaced by T.
Protein change: p.Glu500Val; replaces glutamic acid 500 with valine.
Molecular consequence: missense variant.
Genome position (GRCh38, 1-based): chr11:94,459,409, T>A on the plus strand (A>T on the coding strand, the complement: MRE11 is on the minus strand). VCF-style: chr11-94459409-T-A. GRCh37 (hg19) VCF-style: chr11-94192575-T-A.
Other names: c.1499A>T, p.Glu500Val (NM_001330347.2, NM_005590.4); short protein forms E500V.
Identifiers: ClinVar variation 186707 (VCV000186707.20), dbSNP rs786203159, ClinGen allele CA195620.

ClinVar aggregate classification (germline): Uncertain significance. Review status: criteria provided, multiple submitters, no conflicts (2 of 4 stars). 6 submissions from 6 submitters: Uncertain significance (6). Last evaluated 2026-01-22.

Conditions:
Ataxia-telangiectasia-like disorder (ATLD). Identifiers: MedGen C1858391, MONDO:0011457.
Hereditary cancer-predisposing syndrome. Also called: Tumor predisposition; Neoplastic Syndromes, Hereditary; Hereditary neoplastic syndrome; Hereditary Cancer Syndrome. Identifiers: Orphanet 140162, MedGen C0027672, MeSH D009386, MONDO:0015356.
Ataxia-telangiectasia-like disorder 1 (ATLD1). Identifiers: Orphanet 251347, MedGen C4012790, MONDO:0024557, OMIM 604391.

Allele frequency attached by ClinVar (database versions not stated): gnomAD 0.00001; gnomAD exomes 0.00001; TOPMed 0.00001.
gnomAD v4.1: 5 of 1,613,774 alleles (0.00031%); highest among the groups gnomAD compares: Admixed American, 0.0083%; no homozygotes.

Submissions (6):

Labcorp Genetics (formerly Invitae), Labcorp
Classification: Uncertain significance for Ataxia-telangiectasia-like disorder. Last evaluated: 2026-01-22. Review status: criteria provided, single submitter. Criteria: Invitae Variant Classification Sherloc (09022015). Collection method: clinical testing. Allele origin: germline.
Comment: This sequence change replaces glutamic acid, which is acidic and polar, with valine, which is neutral and non-polar, at codon 500 of the MRE11 protein (p.Glu500Val). This variant is not present in population databases (gnomAD no frequency). This variant has not been reported in the literature in individuals affected with MRE11-related conditions. ClinVar contains an entry for this variant (Variation ID: 186707). An algorithm developed to predict the effect of missense changes on protein structure and function (PolyPhen-2) suggests that this variant is likely to be disruptive. In summary, the available evidence is currently insufficient to determine the role of this variant in disease. Therefore, it has been classified as a Variant of Uncertain Significance.

Ambry Genetics
Classification: Uncertain significance for Hereditary cancer-predisposing syndrome. Last evaluated: 2024-05-02. Review status: criteria provided, single submitter. Criteria: Ambry Variant Classification Scheme 2023. Collection method: clinical testing. Allele origin: germline.
Comment: The p.E500V variant (also known as c.1499A>T), located in coding exon 12 of the MRE11A gene, results from an A to T substitution at nucleotide position 1499. The glutamic acid at codon 500 is replaced by valine, an amino acid with dissimilar properties. This amino acid position is highly conserved in available vertebrate species. In addition, the in silico prediction for this alteration is inconclusive. Since supporting evidence is limited at this time, the clinical significance of this alteration remains unclear.

Baylor Genetics
Classification: Uncertain significance for Ataxia-telangiectasia-like disorder 1. Last evaluated: 2024-03-21. Review status: criteria provided, single submitter. Criteria: ACMG Guidelines, 2015. Collection method: clinical testing. Allele origin: unknown.

Athena Diagnostics
Classification: Uncertain significance. Last evaluated: 2021-11-29. Review status: criteria provided, single submitter. Criteria: Athena Diagnostics Criteria. Collection method: clinical testing. Allele origin: unknown.

Blueprint Genetics
Classification: Uncertain significance. Last evaluated: 2019-11-11. Review status: criteria provided, single submitter. Criteria: ACMG Guidelines, 2015. Collection method: clinical testing. Allele origin: germline.

Fulgent Genetics
Classification: Uncertain significance for Ataxia-telangiectasia-like disorder 1. Last evaluated: 2018-10-31. Review status: criteria provided, single submitter. Criteria: ACMG Guidelines, 2015. Collection method: clinical testing. Allele origin: unknown.